The following is an entry in ClinVar:

NM_001267550.2(TTN):c.103441C>T (p.Leu34481Phe)

Genes: TTN (titin; minus strand), TTN-AS1 (TTN antisense RNA 1; plus strand). Cytogenetic location: 2q31.2.
Variant type: single nucleotide variant.
Coding change: c.103441C>T on transcript NM_001267550.2 (MANE Select); coding-DNA position 103441, C replaced by T.
Protein change: p.Leu34481Phe; replaces leucine 34481 with phenylalanine.
Molecular consequence: missense variant.
Genome position (GRCh38, 1-based): chr2:178,533,174, G>A on the plus strand (C>T on the coding strand, the complement: TTN is on the minus strand). VCF-style: chr2-178533174-G-A. GRCh37 (hg19) VCF-style: chr2-179397901-G-A.
Other names: c.98518C>T, p.Leu32840Phe (NM_001256850.1); c.76246C>T, p.Leu25416Phe (NM_003319.4); c.95737C>T, p.Leu31913Phe (NM_133378.4); c.76621C>T, p.Leu25541Phe (NM_133432.3); c.76822C>T, p.Leu25608Phe (NM_133437.4); short protein forms L25416F, L25541F, L25608F, L31913F, L32840F, L34481F.
Identifiers: ClinVar variation 999635 (VCV000999635.12), dbSNP rs1689951104, ClinGen allele CA349414264.

ClinVar aggregate classification (germline): Uncertain significance (1 of 4 stars; one submission).

Conditions:
Dilated cardiomyopathy 1G (CMD1G). Identifiers: Orphanet 154, MedGen C1858763, MONDO:0011400, OMIM 604145.
Autosomal recessive limb-girdle muscular dystrophy type 2J (LGMDR10). Also called: Limb-girdle muscular dystrophy, type 2J; MUSCULAR DYSTROPHY, LIMB-GIRDLE, AUTOSOMAL RECESSIVE 10. Identifiers: Orphanet 140922, MedGen C1837342, MONDO:0012127, OMIM 608807.

Submission:

Labcorp Genetics (formerly Invitae), Labcorp
Classification: Uncertain significance for Dilated cardiomyopathy 1G; Autosomal recessive limb-girdle muscular dystrophy type 2J. Last evaluated: 2023-05-23. Review status: criteria provided, single submitter. Criteria: Invitae Variant Classification Sherloc (09022015). Collection method: clinical testing. Allele origin: germline.
Comment: ClinVar contains an entry for this variant (Variation ID: 999635). This sequence change replaces leucine, which is neutral and non-polar, with phenylalanine, which is neutral and non-polar, at codon 34481 of the TTN protein (p.Leu34481Phe). This variant is not present in population databases (gnomAD no frequency). This variant has not been reported in the literature in individuals affected with TTN-related conditions. Experimental studies and prediction algorithms are not available or were not evaluated, and the functional significance of this variant is currently unknown. This variant is located in the M band of TTN (PMID: 25589632). Variants in this region may be relevant for neuromuscular disorders, but have not been definitively shown to cause cardiomyopathy (PMID: 23975875). In summary, the available evidence is currently insufficient to determine the role of this variant in disease. Therefore, it has been classified as a Variant of Uncertain Significance.

Literature cited by the submitters: PubMed 25589632; PubMed 23975875.